The following is an entry in ClinVar:

NM_017849.4(TMEM127):c.188G>A (p.Arg63His)

Gene: TMEM127 (transmembrane protein 127; minus strand). Cytogenetic location: 2q11.2.
Variant type: single nucleotide variant.
Coding change: c.188G>A on transcript NM_017849.4 (MANE Select); coding-DNA position 188, G replaced by A.
Protein change: p.Arg63His; replaces arginine 63 with histidine.
Molecular consequence: missense variant.
Genome position (GRCh38, 1-based): chr2:96,265,194, C>T on the plus strand (G>A on the coding strand, the complement: TMEM127 is on the minus strand). VCF-style: chr2-96265194-C-T. GRCh37 (hg19) VCF-style: chr2-96930932-C-T.
Other names: c.188G>A, p.Arg63His (NM_001193304.3); short protein forms R63H.
Identifiers: ClinVar variation 568440 (VCV000568440.14), dbSNP rs1187661049, ClinGen allele CA347655935.

ClinVar aggregate classification (germline): Uncertain significance. Review status: criteria provided, multiple submitters, no conflicts (2 of 4 stars). 3 submissions from 3 submitters: Uncertain significance (3). Last evaluated 2025-04-09.

Conditions:
Hereditary pheochromocytoma and paraganglioma. Also called: Hereditary Paraganglioma-Pheochromocytoma Syndromes; Hereditary paragangliomas and pheochromocytomas; Hereditary pheochromocytoma-paraganglioma. Identifiers: Orphanet 29072, MedGen C4274332, MONDO:0017366.
Hereditary cancer-predisposing syndrome. Also called: Neoplastic Syndromes, Hereditary; Hereditary Cancer Syndrome; Tumor predisposition; Hereditary neoplastic syndrome. Identifiers: Orphanet 140162, MedGen C0027672, MeSH D009386, MONDO:0015356.
Pheochromocytoma. Also called: MAX-Related Hereditary Paraganglioma-Pheochromocytoma Syndrome. Identifiers: Orphanet 29072, MedGen C0031511, MONDO:0008233, OMIM 171300, HP:0002666.

Allele frequency attached by ClinVar (database versions not stated): TOPMed 0.00001.
gnomAD v4.1: 10 of 1,609,060 alleles (0.00062%); highest among the groups gnomAD compares: Non-Finnish European, 0.00085%; no homozygotes.

Submissions (3):

Labcorp Genetics (formerly Invitae), Labcorp
Classification: Uncertain significance for Hereditary pheochromocytoma and paraganglioma. Last evaluated: 2025-04-09. Review status: criteria provided, single submitter. Criteria: Invitae Variant Classification Sherloc (09022015). Collection method: clinical testing. Allele origin: germline.
Comment: This sequence change replaces arginine, which is basic and polar, with histidine, which is basic and polar, at codon 63 of the TMEM127 protein (p.Arg63His). This variant is not present in population databases (gnomAD no frequency). This variant has not been reported in the literature in individuals affected with TMEM127-related conditions. ClinVar contains an entry for this variant (Variation ID: 568440). An algorithm developed to predict the effect of missense changes on protein structure and function (PolyPhen-2) suggests that this variant is likely to be tolerated. In summary, the available evidence is currently insufficient to determine the role of this variant in disease. Therefore, it has been classified as a Variant of Uncertain Significance.

Ambry Genetics
Classification: Uncertain significance for Hereditary cancer-predisposing syndrome. Last evaluated: 2024-11-06. Review status: criteria provided, single submitter. Criteria: Ambry Variant Classification Scheme 2023. Collection method: clinical testing. Allele origin: germline.
Comment: The p.R63H variant (also known as c.188G>A), located in coding exon 1 of the TMEM127 gene, results from a G to A substitution at nucleotide position 188. The arginine at codon 63 is replaced by histidine, an amino acid with highly similar properties. This amino acid position is highly conserved in available vertebrate species. In addition, the in silico prediction for this alteration is inconclusive. Since supporting evidence is limited at this time, the clinical significance of this alteration remains unclear.

Baylor Genetics
Classification: Uncertain significance for Pheochromocytoma. Last evaluated: 2024-03-04. Review status: criteria provided, single submitter. Criteria: ACMG Guidelines, 2015. Collection method: clinical testing. Allele origin: unknown.